The following is an entry in ClinVar:

ClinVar aggregate classification (germline): Uncertain significance (1 of 4 stars; one submission).

Conditions:
Inborn genetic diseases. Identifiers: MedGen C0950123, MeSH D030342.

gnomAD v4.1: 3 of 1,614,060 alleles (0.00019%); highest among the groups gnomAD compares: African/African-American, 0.0027%; no homozygotes.

Submission:

Ambry Genetics
Classification: Uncertain significance for Inborn genetic diseases. Last evaluated: 2025-05-09. Review status: criteria provided, single submitter. Criteria: Ambry Variant Classification Scheme 2023. Collection method: clinical testing. Allele origin: germline.
Comment: The p.A180V variant (also known as c.539C>T), located in coding exon 5 of the G6PC3 gene, results from a C to T substitution at nucleotide position 539. The alanine at codon 180 is replaced by valine, an amino acid with similar properties. This amino acid position is conserved. In addition, this alteration is predicted to be tolerated by in silico analysis. Based on the available evidence, the clinical significance of this variant remains unclear.

NM_138387.4(G6PC3):c.539C>T (p.Ala180Val)

Gene: G6PC3 (glucose-6-phosphatase catalytic subunit 3; plus strand). Cytogenetic location: 17q21.31.
Variant type: single nucleotide variant.
Coding change: c.539C>T on transcript NM_138387.4 (MANE Select); coding-DNA position 539, C replaced by T.
Protein change: p.Ala180Val; replaces alanine 180 with valine.
Molecular consequence: missense variant. On other transcripts: synonymous variant (1).
Genome position (GRCh38, 1-based): chr17:44,075,313, C>T. VCF-style: chr17-44075313-C-T. GRCh37 (hg19) VCF-style: chr17-42152681-C-T.
Other names: c.420C>T, p.Arg140= (NM_001319945.2); c.194C>T, p.Ala65Val (NM_001384165.1, NM_001384166.1, NM_001384167.1 and 1 more transcripts); short protein forms A180V, A65V.
Identifiers: ClinVar variation 4027599 (VCV004027599.1).